The following is an entry in ClinVar:

NM_032242.4(PLXNA1):c.4363-5del

Gene: PLXNA1 (plexin A1; plus strand). Cytogenetic location: 3q21.3.
Variant type: Deletion.
Coding change: c.4363-5del on transcript NM_032242.4 (MANE Select); 5 bases into the intron before coding-DNA position 4363, one base deleted (C; older notation c.4363-5delC).
Molecular consequence: intron variant.
Genome position (GRCh38, 1-based): chr3:127,027,935, C deleted; the last of 5 consecutive C bases (chr3:127,027,931-127,027,935); deleting any one gives the same sequence. VCF-style (leftmost placement, unchanged base first): chr3-127027930-AC-A. GRCh37 (hg19) VCF-style: chr3-126746773-AC-A.
Identifiers: ClinVar variation 4996232 (VCV004996232.1).

ClinVar aggregate classification (germline): Likely benign (1 of 4 stars; one submission).

Conditions:
PLXNA1-related disorder. Also called: PLXNA1-related condition.

Submission:

PreventionGenetics, part of Exact Sciences
Classification: Likely benign for PLXNA1-related condition. Last evaluated: 2026-06-16. Review status: criteria provided, single submitter. Criteria: ACMG Guidelines, 2015. Collection method: clinical testing. Allele origin: germline.
Comment: This variant is classified as likely benign based on ACMG/AMP sequence variant interpretation guidelines (Richards et al. 2015 PMID: 25741868, with internal and published modifications).